The following is an entry in ClinVar:

NM_018191.4(RCBTB1):c.481G>A (p.Gly161Arg)

Gene: RCBTB1 (RCC1 and BTB domain containing protein 1; minus strand). Cytogenetic location: 13q14.2.
Variant type: single nucleotide variant.
Coding change: c.481G>A on transcript NM_018191.4 (MANE Select); coding-DNA position 481, G replaced by A.
Protein change: p.Gly161Arg; replaces glycine 161 with arginine.
Molecular consequence: missense variant. On other transcripts: 5 prime UTR variant (1), non-coding transcript variant (2).
Genome position (GRCh38, 1-based): chr13:49,555,637, C>T on the plus strand (G>A on the coding strand, the complement: RCBTB1 is on the minus strand). VCF-style: chr13-49555637-C-T. GRCh37 (hg19) VCF-style: chr13-50129773-C-T.
Other names: c.481G>A, p.Gly161Arg (NM_001352500.2, NM_001352501.2, NM_001352502.2 and 3 more transcripts); c.-99G>A (NM_001352506.2); short protein forms G161R.
Identifiers: ClinVar variation 2750172 (VCV002750172.3), dbSNP rs1343017193, ClinGen allele CA388191560.

ClinVar aggregate classification (germline): Uncertain significance (1 of 4 stars; one submission).

Allele frequency attached by ClinVar (database versions not stated): gnomAD 0.00001.
gnomAD v4.1: 1 of 1,609,668 alleles (0.000062%); highest among the groups gnomAD compares: African/African-American, 0.0013%; no homozygotes.

Submission:

Labcorp Genetics (formerly Invitae), Labcorp
Classification: Uncertain significance. Last evaluated: 2023-08-04. Review status: criteria provided, single submitter. Criteria: Invitae Variant Classification Sherloc (09022015). Collection method: clinical testing. Allele origin: germline.
Comment: In summary, the available evidence is currently insufficient to determine the role of this variant in disease. Therefore, it has been classified as a Variant of Uncertain Significance. Advanced modeling of protein sequence and biophysical properties (such as structural, functional, and spatial information, amino acid conservation, physicochemical variation, residue mobility, and thermodynamic stability) performed at Invitae indicates that this missense variant is expected to disrupt RCBTB1 protein function. This variant has not been reported in the literature in individuals affected with RCBTB1-related conditions. This variant is present in population databases (no rsID available, gnomAD 0.01%). This sequence change replaces glycine, which is neutral and non-polar, with arginine, which is basic and polar, at codon 161 of the RCBTB1 protein (p.Gly161Arg).